The following is an entry in ClinVar:

ClinVar aggregate classification (germline): Conflicting classifications of pathogenicity. Review status: criteria provided, conflicting classifications (1 of 4 stars). 12 submissions from 11 submitters: Uncertain significance (1); Benign (8); Likely benign (2). 1 of the submissions does not count toward it. Last evaluated 2026-01-18.

Conditions:
RYR2-related disorder. Also called: RYR2-related condition.
Cardiovascular phenotype. Identifiers: MedGen CN230736.
Cardiomyopathy (CMYO). Also called: Cardiomyopathies. Identifiers: Orphanet 167848, MedGen C0878544, MONDO:0004994, HP:0001638. Inheritance: Various modes of inheritance.
Catecholaminergic polymorphic ventricular tachycardia 1. Also called: VENTRICULAR TACHYCARDIA, STRESS-INDUCED POLYMORPHIC 1; RYR2-Related Catecholaminergic Polymorphic Ventricular Tachycardia; VENTRICULAR TACHYCARDIA, CATECHOLAMINERGIC POLYMORPHIC, 1, WITH OR WITHOUT ATRIAL DYSFUNCTION AND/OR DILATED CARDIOMYOPATHY. Identifiers: Orphanet 3286, MedGen C1631597, MONDO:0011484, OMIM 604772.
Arrhythmogenic right ventricular dysplasia 2. Identifiers: MedGen C1832931.
Catecholaminergic polymorphic ventricular tachycardia (CVPT). Also called: Catecholamine-induced polymorphic ventricular tachycardia. Identifiers: Orphanet 3286, MedGen C5574922, MONDO:0017990.

Allele frequency attached by ClinVar (database versions not stated): TOPMed 0.00011; ESP Exome Variant Server 0.00025; 1000 Genomes Project 30x 0.00062; 1000 Genomes Project 0.00080; gnomAD exomes 0.00125 and 0.00293; gnomAD 0.00231 and 0.00240; ExAC 0.00243.
gnomAD v4.1: 2,158 of 1,613,696 alleles (0.13%); highest among the groups gnomAD compares: Non-Finnish European, 0.012%; 33 homozygotes.

Submissions (12):

Labcorp Genetics (formerly Invitae), Labcorp
Classification: Benign for Catecholaminergic polymorphic ventricular tachycardia 1. Last evaluated: 2026-01-18. Review status: criteria provided, single submitter. Criteria: Invitae Variant Classification Sherloc (09022015). Collection method: clinical testing. Allele origin: germline.

Women's Health and Genetics/Laboratory Corporation of America, LabCorp
Classification: Benign. Last evaluated: 2025-12-29. Review status: criteria provided, single submitter. Criteria: LabCorp Variant Classification Summary - May 2015. Collection method: clinical testing. Allele origin: germline.

Blueprint Genetics
Classification: Benign. Last evaluated: 2024-11-25. Review status: criteria provided, single submitter. Criteria: ACMG Guidelines, 2015. Collection method: clinical testing. Allele origin: germline.

All of Us Research Program, National Institutes of Health
Classification: Benign for Catecholaminergic polymorphic ventricular tachycardia. Last evaluated: 2024-02-05. Review status: criteria provided, single submitter. Criteria: ACMG Guidelines, 2015. Collection method: clinical testing. Allele origin: germline. Inheritance: Autosomal dominant inheritance. Observed: 37 variant alleles, 37 heterozygotes.
Comment: This study involves interpretation of variants in research participants for the purpose of population health screening. Participant phenotype was not available at the time of variant classification. Additional details can be found in publication PMID: 35346344, PMCID: PMC8962531

CeGaT Center for Human Genetics Tuebingen
Classification: Benign. Last evaluated: 2022-04-01. Review status: criteria provided, single submitter. Criteria: CeGaT Center For Human Genetics Tuebingen Variant Classification Criteria Version 2. Collection method: clinical testing. Allele origin: germline. Affected: yes. Observed: 1 variant allele.
Comment: RYR2: BS1, BS2

GeneDx
Classification: Benign. Last evaluated: 2021-04-30. Review status: criteria provided, single submitter. Criteria: GeneDx Variant Classification Process June 2021. Collection method: clinical testing. Allele origin: germline. Affected: yes.

Ambry Genetics
Classification: Benign for Cardiovascular phenotype. Last evaluated: 2018-08-24. Review status: criteria provided, single submitter. Criteria: Ambry Variant Classification Scheme 2023. Collection method: clinical testing. Allele origin: germline.

Color Diagnostics, LLC DBA Color Health
Classification: Benign for Cardiomyopathy. Last evaluated: 2018-03-16. Review status: criteria provided, single submitter. Criteria: ACMG Guidelines, 2015. Collection method: clinical testing. Allele origin: germline.

Illumina Laboratory Services, Illumina
Classification: Uncertain significance for Catecholaminergic polymorphic ventricular tachycardia 1. Last evaluated: 2018-01-13. Review status: criteria provided, single submitter. Criteria: ICSL Variant Classification Criteria 13 December 2019. Collection method: clinical testing. Allele origin: germline.

Illumina Laboratory Services, Illumina
Classification: Likely benign for Catecholaminergic polymorphic ventricular tachycardia 1. Last evaluated: 2018-01-13. Review status: criteria provided, single submitter. Criteria: ICSL Variant Classification Criteria 13 December 2019. Collection method: clinical testing. Allele origin: germline.
Comment: This variant was observed in the ICSL laboratory as part of a predisposition screen in an ostensibly healthy population. It had not been previously curated by ICSL or reported in the Human Gene Mutation Database (HGMD: prior to June 1st, 2018), and was therefore a candidate for classification through an automated scoring system. Utilizing variant allele frequency, disease prevalence and penetrance estimates, and inheritance mode, an automated score was calculated to assess if this variant is too frequent to cause the disease. Based on the score and internal cut-off values, a variant classified as likely benign is not then subjected to further curation. The score for this variant resulted in a classification of likely benign for this disease.

Laboratory for Molecular Medicine, Mass General Brigham Personalized Medicine
Classification: Likely benign. Last evaluated: 2012-02-07. Review status: criteria provided, single submitter. Criteria: LMM Criteria. Collection method: clinical testing. Allele origin: germline. Observed: 2 variant alleles.
Comment: Pro1356Pro in exon 31 of RYR2: This variant is not expected to have clinical sig nificance because it does not alter an amino acid residue and is not located wit hin the splice consensus sequence. This variant has been identified in 1/6652 Eu ropean American chromosomes by the NHLBI Exome Sequencing Project in a broad pop ulation. Pro1356Pro in exon 31 of RYR2 (alle le frequency = 1/6652) **

PreventionGenetics, part of Exact Sciences
Classification: Likely benign for RYR2-related condition. Last evaluated: 2024-08-07. Review status: no assertion criteria provided. Collection method: clinical testing. Allele origin: germline. Not counted in ClinVar's aggregate classification.
Comment: This variant is classified as likely benign based on ACMG/AMP sequence variant interpretation guidelines (Richards et al. 2015 PMID: 25741868, with internal and published modifications).

NM_001035.3(RYR2):c.4068C>T (p.Pro1356=)

Genes: RYR2 (ryanodine receptor 2; plus strand), LOC126806067 (BRD4-independent group 4 enhancer GRCh37_chr1:237753258-237754457; plus strand). Cytogenetic location: 1q43.
Variant type: single nucleotide variant.
Coding change: c.4068C>T on transcript NM_001035.3 (MANE Select); coding-DNA position 4068, C replaced by T.
Protein change: p.Pro1356=; no amino-acid change (proline 1356 retained).
Molecular consequence: synonymous variant.
Genome position (GRCh38, 1-based): chr1:237,590,900, C>T. VCF-style: chr1-237590900-C-T. GRCh37 (hg19) VCF-style: chr1-237754200-C-T.
Identifiers: ClinVar variation 43778 (VCV000043778.59), dbSNP rs199821105, ClinGen allele CA009440.